The following is an entry in ClinVar:

NM_207163.3(LMOD2):c.412G>C (p.Glu138Gln)

Gene: LMOD2 (leiomodin 2; plus strand). Cytogenetic location: 7q31.32.
Variant type: single nucleotide variant.
Coding change: c.412G>C on transcript NM_207163.3 (MANE Select); coding-DNA position 412, G replaced by C.
Protein change: p.Glu138Gln; replaces glutamic acid 138 with glutamine.
Molecular consequence: missense variant.
Genome position (GRCh38, 1-based): chr7:123,661,998, G>C. VCF-style: chr7-123661998-G-C. GRCh37 (hg19) VCF-style: chr7-123302052-G-C.
Other names: short protein forms E138Q.
Identifiers: ClinVar variation 3119394 (VCV003119394.2), dbSNP rs61738540, ClinGen allele CA4463019.

ClinVar aggregate classification (germline): Uncertain significance. Review status: criteria provided, single submitter (1 of 4 stars). 2 submissions from 2 submitters: Uncertain significance (1). 1 of the submissions does not count toward it. Last evaluated 2024-01-16.

Conditions:
Inborn genetic diseases. Identifiers: MedGen C0950123, MeSH D030342.
LMOD2-related condition.

Allele frequency attached by ClinVar (database versions not stated): gnomAD exomes 0.00014; 1000 Genomes Project 0.00060; ExAC 0.00060; 1000 Genomes Project 30x 0.00078; ESP Exome Variant Server 0.00107; gnomAD 0.00149; TOPMed 0.00173.

Submissions (2):

Ambry Genetics
Classification: Uncertain significance for Inborn genetic diseases. Last evaluated: 2024-01-16. Review status: criteria provided, single submitter. Criteria: Ambry Variant Classification Scheme 2023. Collection method: clinical testing. Allele origin: germline.

PreventionGenetics, part of Exact Sciences
Classification: Likely benign for LMOD2-related condition. Last evaluated: 2024-09-15. Review status: no assertion criteria provided. Collection method: clinical testing. Allele origin: germline. Not counted in ClinVar's aggregate classification.
Comment: This variant is classified as likely benign based on ACMG/AMP sequence variant interpretation guidelines (Richards et al. 2015 PMID: 25741868, with internal and published modifications).